The following is an entry in ClinVar:

ClinVar aggregate classification (germline): Likely pathogenic (1 of 4 stars; one submission).

Conditions:
COL4A1-related disorder. Also called: COL4A1-related condition; COL4A1-related disorders. Identifiers: MedGen CN376119, MONDO:0800461.

Submission:

PreventionGenetics, part of Exact Sciences
Classification: Likely pathogenic for COL4A1-related condition. Last evaluated: 2026-06-25. Review status: criteria provided, single submitter. Criteria: ACMG Guidelines, 2015. Collection method: clinical testing. Allele origin: germline.
Comment: The COL4A1 c.1269delG variant is predicted to result in a frameshift and premature protein termination (p.Gln424Serfs*31). To our knowledge, this variant has not been reported in the literature or in a large population database (gnomAD), indicating this variant is rare. Of note, other truncating variants in the surrounding region of this variant have been reported in patients with COL4A1 related disorders (Schuermans et al. 2023. PubMed ID: 37152446; Itai et al. 2021. PubMed ID: 32732225). Frameshift variants in COL4A1 are expected to be pathogenic. This variant is interpreted as likely pathogenic.

NM_001845.6(COL4A1):c.1269del (p.Gln424fs)

Gene: COL4A1 (collagen type IV alpha 1 chain; minus strand). Cytogenetic location: 13q34.
Variant type: Deletion.
Coding change: c.1269del on transcript NM_001845.6 (MANE Select); coding-DNA position 1269, one base deleted (G; older notation c.1269delG).
Protein change: p.Gln424fs; shifts the reading frame from glutamine 424.
Molecular consequence: frameshift variant.
Genome position (GRCh38, 1-based): chr13:110,198,483, C deleted on the plus strand (G on the coding strand, the reverse complement: COL4A1 is on the minus strand); the first of 3 consecutive C bases (chr13:110,198,483-110,198,485); deleting any one gives the same sequence. VCF-style (leftmost placement, unchanged base first): chr13-110198482-GC-G. GRCh37 (hg19) VCF-style: chr13-110850829-GC-G.
Other names: c.1269del, p.Gln424fs (NM_001303110.2); short protein forms Q424fs.
Identifiers: ClinVar variation 4991583 (VCV004991583.1).